The following is an entry in ClinVar:

ClinVar aggregate classification (germline): Pathogenic (1 of 4 stars; one submission).

Conditions:
Epilepsy, childhood absence, susceptibility to, 1. Also called: Epilepsy, childhood absence 1. Identifiers: Orphanet 64280, MedGen C1838604, MONDO:0020759, OMIM 600131.
Epilepsy, childhood absence, susceptibility to, 5. Identifiers: Orphanet 64280, MedGen C2677087, MONDO:0012843, OMIM 612269.

Submission:

Labcorp Genetics (formerly Invitae), Labcorp
Classification: Pathogenic for Epilepsy, childhood absence, susceptibility to, 5; Epilepsy, childhood absence, susceptibility to, 1. Last evaluated: 2023-07-27. Review status: criteria provided, single submitter. Criteria: Invitae Variant Classification Sherloc (09022015). Collection method: clinical testing. Allele origin: germline.
Comment: For these reasons, this variant has been classified as Pathogenic. Advanced modeling of protein sequence and biophysical properties (such as structural, functional, and spatial information, amino acid conservation, physicochemical variation, residue mobility, and thermodynamic stability) performed at Invitae indicates that this missense variant is expected to disrupt GABRB3 protein function. This missense change has been observed in individual(s) with GABRB3-related conditions (Invitae). In at least one individual the variant was observed to be de novo. This variant is not present in population databases (gnomAD no frequency). This sequence change replaces alanine, which is neutral and non-polar, with threonine, which is neutral and polar, at codon 273 of the GABRB3 protein (p.Ala273Thr).

NM_000814.6(GABRB3):c.817G>A (p.Ala273Thr)

Gene: GABRB3 (gamma-aminobutyric acid type A receptor subunit beta3; minus strand). Cytogenetic location: 15q12.
Variant type: single nucleotide variant.
Coding change: c.817G>A on transcript NM_000814.6 (MANE Select); coding-DNA position 817, G replaced by A.
Protein change: p.Ala273Thr; replaces alanine 273 with threonine.
Molecular consequence: missense variant.
Genome position (GRCh38, 1-based): chr15:26,567,599, C>T on the plus strand (G>A on the coding strand, the complement: GABRB3 is on the minus strand). VCF-style: chr15-26567599-C-T. GRCh37 (hg19) VCF-style: chr15-26812746-C-T.
Other names: c.562G>A, p.Ala188Thr (NM_001191320.2, NM_001278631.2); c.604G>A, p.Ala202Thr (NM_001191321.3); c.817G>A, p.Ala273Thr (NM_021912.5); short protein forms A188T, A202T, A273T.
Identifiers: ClinVar variation 2947221 (VCV002947221.3), dbSNP rs2504172140, ClinGen allele CA391463006.